The following is an entry in ClinVar:

ClinVar aggregate classification (germline): Uncertain significance (0 of 4 stars; one submission).

Conditions:
PCNT-related disorder. Also called: PCNT-related condition.

Allele frequency attached by ClinVar (database versions not stated): gnomAD exomes 0.00001; ExAC 0.00002; TOPMed 0.00006; ESP Exome Variant Server 0.00008; gnomAD 0.00010.
gnomAD v4.1: 27 of 1,613,952 alleles (0.0017%); highest among the groups gnomAD compares: African/African-American, 0.029%; no homozygotes.

Submission:

PreventionGenetics, part of Exact Sciences
Classification: Uncertain significance for PCNT-related condition. Last evaluated: 2024-02-05. Review status: no assertion criteria provided. Collection method: clinical testing. Allele origin: germline.
Comment: The PCNT c.7064C>T variant is predicted to result in the amino acid substitution p.Ser2355Leu. To our knowledge, this variant has not been reported in the literature. This variant is reported in 0.024% of alleles in individuals of African descent in gnomAD. At this time, the clinical significance of this variant is uncertain due to the absence of conclusive functional and genetic evidence.

NM_006031.6(PCNT):c.7064C>T (p.Ser2355Leu)

Gene: PCNT (pericentrin; plus strand). Cytogenetic location: 21q22.3.
Variant type: single nucleotide variant.
Coding change: c.7064C>T on transcript NM_006031.6 (MANE Select); coding-DNA position 7064, C replaced by T.
Protein change: p.Ser2355Leu; replaces serine 2355 with leucine.
Molecular consequence: missense variant.
Genome position (GRCh38, 1-based): chr21:46,422,009, C>T. VCF-style: chr21-46422009-C-T. GRCh37 (hg19) VCF-style: chr21-47841923-C-T.
Other names: c.6710C>T, p.Ser2237Leu (NM_001315529.2); short protein forms S2237L, S2355L.
Identifiers: ClinVar variation 3058453 (VCV003058453.2), dbSNP rs377341970, ClinGen allele CA10080515.